The following is an entry in ClinVar:

ClinVar aggregate classification (germline): Uncertain significance (1 of 4 stars; one submission).

Submission:

Labcorp Genetics (formerly Invitae), Labcorp
Classification: Uncertain significance. Last evaluated: 2024-06-19. Review status: criteria provided, single submitter. Criteria: Invitae Variant Classification Sherloc (09022015). Collection method: clinical testing. Allele origin: germline.
Comment: This sequence change replaces glycine, which is neutral and non-polar, with arginine, which is basic and polar, at codon 487 of the PRDM13 protein (p.Gly487Arg). This variant is not present in population databases (gnomAD no frequency). This variant has not been reported in the literature in individuals affected with PRDM13-related conditions. An algorithm developed to predict the effect of missense changes on protein structure and function (PolyPhen-2) suggests that this variant is likely to be disruptive. In summary, the available evidence is currently insufficient to determine the role of this variant in disease. Therefore, it has been classified as a Variant of Uncertain Significance.

NM_021620.4(PRDM13):c.1459G>C (p.Gly487Arg)

Gene: PRDM13 (PR/SET domain 13; plus strand). Cytogenetic location: 6q16.2.
Variant type: single nucleotide variant.
Coding change: c.1459G>C on transcript NM_021620.4 (MANE Select); coding-DNA position 1459, G replaced by C.
Protein change: p.Gly487Arg; replaces glycine 487 with arginine.
Molecular consequence: missense variant.
Genome position (GRCh38, 1-based): chr6:99,614,094, G>C. VCF-style: chr6-99614094-G-C. GRCh37 (hg19) VCF-style: chr6-100061970-G-C.
Other names: short protein forms G487R.
Identifiers: ClinVar variation 3657013 (VCV003657013.2).
Genomic context (GRCh38, chr6:99,614,094, plus strand): 5'-GGGGAGCTGCTCTACGGCTCACCGGCCACCACCGCTTATTACCCGCTCAAATTGCACTTC[G>C]GCGGGCTGCTGAAGTATCCGGAGTCCATCTCCTACTTCAGCGGGCCTGCAGCGGCCGCCC-3'
Protein context (NP_067633.2, residues 477-497): TAYYPLKLHF[Gly487Arg]GLLKYPESIS